The following is an entry in ClinVar:

ClinVar aggregate classification (germline): Uncertain significance (1 of 4 stars; one submission).

gnomAD v4.1: 1 of 1,614,142 alleles (0.000062%); highest among the groups gnomAD compares: Non-Finnish European, 0.000085%; no homozygotes.

Submission:

Labcorp Genetics (formerly Invitae), Labcorp
Classification: Uncertain significance. Last evaluated: 2021-02-18. Review status: criteria provided, single submitter. Criteria: Invitae Variant Classification Sherloc (09022015). Collection method: clinical testing. Allele origin: germline.
Comment: In summary, the available evidence is currently insufficient to determine the role of this variant in disease. Therefore, it has been classified as a Variant of Uncertain Significance. Algorithms developed to predict the effect of missense changes on protein structure and function are either unavailable or do not agree on the potential impact of this missense change (SIFT: "Deleterious"; PolyPhen-2: "Probably Damaging"; Align-GVGD: "Class C0"). This sequence change replaces tryptophan with serine at codon 383 of the ALPK3 protein (p.Trp383Ser). The tryptophan residue is moderately conserved and there is a large physicochemical difference between tryptophan and serine. This variant has not been reported in the literature in individuals with ALPK3-related conditions. This variant is not present in population databases (ExAC no frequency).

NM_020778.5(ALPK3):c.542G>C (p.Trp181Ser)

Gene: ALPK3 (alpha kinase 3; plus strand). Cytogenetic location: 15q25.3.
Variant type: single nucleotide variant.
Coding change: c.542G>C on transcript NM_020778.5 (MANE Select); coding-DNA position 542, G replaced by C.
Protein change: p.Trp181Ser; replaces tryptophan 181 with serine.
Molecular consequence: missense variant.
Genome position (GRCh38, 1-based): chr15:84,839,821, G>C. VCF-style: chr15-84839821-G-C. GRCh37 (hg19) VCF-style: chr15-85383052-G-C.
Other names: short protein forms W181S.
Identifiers: ClinVar variation 1511510 (VCV001511510.8), dbSNP rs1442088577, ClinGen allele CA393372829.